The following is an entry in ClinVar:

ClinVar aggregate classification (germline): Uncertain significance. Review status: criteria provided, multiple submitters, no conflicts (2 of 4 stars). 3 submissions from 3 submitters: Uncertain significance (3). Last evaluated 2025-09-26.

Conditions:
Atypical hemolytic-uremic syndrome with I factor anomaly. Also called: HEMOLYTIC UREMIC SYNDROME, ATYPICAL, SUSCEPTIBILITY TO, 3; AHUS, SUSCEPTIBILITY TO, 3. Identifiers: Orphanet 2134, MedGen C2752039, MONDO:0013041, OMIM 612923.
Age related macular degeneration 13. Identifiers: MedGen C3809523, MONDO:0014189, OMIM 615439.
Factor I deficiency (CFID). Also called: Complement factor I deficiency. Identifiers: Orphanet 200418, MedGen C3463916, MONDO:0012594, OMIM 610984.
Atypical hemolytic-uremic syndrome. Identifiers: Orphanet 2134, MedGen C2931788, MONDO:0016244.

Allele frequency attached by ClinVar (database versions not stated): gnomAD exomes below 0.00001.
gnomAD v4.1: 3 of 1,614,174 alleles (0.00019%); highest among the groups gnomAD compares: Middle Eastern, 0.016%; no homozygotes.

Submissions (3):

Genomenon, Inc
Classification: Uncertain significance for Atypical hemolytic-uremic syndrome. Last evaluated: 2025-09-26. Review status: criteria provided, single submitter. Criteria: Genomenon Sequence Variant Interpretation Standards - Updated. Collection method: curation. Allele origin: germline. Affected: yes.
Comment: CFI p.Val212Met (c.634G>A) is a missense variant that changes the amino acid at residue 212 from Valine to Methionine. This variant has been observed in at least one proband affected with atypical hemolytic-uremic syndrome (PMID:32510551). It is absent or not present at a significant frequency in gnomAD. In conclusion, we classify CFI p.Val212Met (c.634G>A) as a variant of unknown significance.

Fulgent Genetics
Classification: Uncertain significance for Factor I deficiency; Atypical hemolytic-uremic syndrome with I factor anomaly; Age related macular degeneration 13. Last evaluated: 2024-04-04. Review status: criteria provided, single submitter. Criteria: ACMG Guidelines, 2015. Collection method: clinical testing. Allele origin: germline.

Labcorp Genetics (formerly Invitae), Labcorp
Classification: Uncertain significance. Last evaluated: 2023-10-05. Review status: criteria provided, single submitter. Criteria: Invitae Variant Classification Sherloc (09022015). Collection method: clinical testing. Allele origin: germline.
Comment: This sequence change replaces valine, which is neutral and non-polar, with methionine, which is neutral and non-polar, at codon 212 of the CFI protein (p.Val212Met). This variant is not present in population databases (gnomAD no frequency). This variant has not been reported in the literature in individuals affected with CFI-related conditions. Algorithms developed to predict the effect of missense changes on protein structure and function output the following: SIFT: "Not Available"; PolyPhen-2: "Possibly Damaging"; Align-GVGD: "Not Available". The methionine amino acid residue is found in multiple mammalian species, which suggests that this missense change does not adversely affect protein function. In summary, the available evidence is currently insufficient to determine the role of this variant in disease. Therefore, it has been classified as a Variant of Uncertain Significance.

Literature cited by the submitters: PubMed 32510551 (cited by Genomenon, Inc).

NM_000204.5(CFI):c.634G>A (p.Val212Met)

Gene: CFI (complement factor I; minus strand). Cytogenetic location: 4q25.
Variant type: single nucleotide variant.
Coding change: c.634G>A on transcript NM_000204.5 (MANE Select); coding-DNA position 634, G replaced by A.
Protein change: p.Val212Met; replaces valine 212 with methionine.
Molecular consequence: missense variant. On other transcripts: non-coding transcript variant (3).
Genome position (GRCh38, 1-based): chr4:109,761,541, C>T on the plus strand (G>A on the coding strand, the complement: CFI is on the minus strand). VCF-style: chr4-109761541-C-T. GRCh37 (hg19) VCF-style: chr4-110682697-C-T.
Other names: c.634G>A, p.Val212Met (NM_001318057.2, NM_001331035.2, NM_001375278.1 and 5 more transcripts); c.25G>A, p.Val9Met (NM_001375284.1); short protein forms V212M, V9M.
Identifiers: ClinVar variation 2881724 (VCV002881724.5), dbSNP rs201338430, ClinGen allele CA103696011.